The following is an entry in ClinVar:

ClinVar aggregate classification (germline): Pathogenic. Review status: criteria provided, multiple submitters, no conflicts (2 of 4 stars). 3 submissions from 3 submitters: Pathogenic (3). Last evaluated 2023-01-19.

Conditions:
Intellectual disability. Also called: Intellectual functioning disability; intellectual disabilities; Intellectual developmental disorder. Identifiers: MedGen C3714756, MeSH D008607, MONDO:0001071, HP:0001249.
Coffin-Lowry syndrome (CLS). Also called: Mental retardation with osteocartilaginous abnormalities; COFFIN-LOWRY SYNDROME, MILD. Identifiers: Orphanet 192, MedGen C0265252, MONDO:0010561, OMIM 303600.

Submissions (3):

GeneDx
Classification: Pathogenic. Last evaluated: 2023-01-19. Review status: criteria provided, single submitter. Criteria: GeneDx Variant Classification Process June 2021. Collection method: clinical testing. Allele origin: germline. Affected: yes.
Comment: Nonsense variant predicted to result in protein truncation or nonsense mediated decay in a gene for which loss-of-function is a known mechanism of disease; Not observed at significant frequency in large population cohorts (gnomAD); This variant is associated with the following publications: (PMID: 15668049, 9837815, 25525159, 20637903, 16306095, 28190284, 27535533)

Diagnostic Laboratory, Strasbourg University Hospital
Classification: Pathogenic for Intellectual disability. Last evaluated: 2020-04-20. Review status: criteria provided, single submitter. Criteria: ACMG Guidelines, 2015. Collection method: clinical testing. Allele origin: de novo. Inheritance: X-linked inheritance. Affected: yes. Observed: 1 variant allele, 1 mosaic individual.

Center for Human Genetics, Inc
Classification: Pathogenic for Coffin-Lowry syndrome. Last evaluated: 2016-11-01. Review status: criteria provided, single submitter. Criteria: ACMG Guidelines, 2015. Collection method: clinical testing. Allele origin: germline. Affected: yes.

NM_004586.3(RPS6KA3):c.328C>T (p.Arg110Ter)

Gene: RPS6KA3 (ribosomal protein S6 kinase A3; minus strand). Cytogenetic location: Xp22.12.
Variant type: single nucleotide variant.
Coding change: c.328C>T on transcript NM_004586.3 (MANE Select); coding-DNA position 328, C replaced by T.
Protein change: p.Arg110Ter; replaces arginine 110 with a stop codon.
Molecular consequence: nonsense.
Genome position (GRCh38, 1-based): chrX:20,195,143, G>A on the plus strand (C>T on the coding strand, the complement: RPS6KA3 is on the minus strand). VCF-style: chrX-20195143-G-A. GRCh37 (hg19) VCF-style: chrX-20213261-G-A.
Other names: short protein forms R110*.
Identifiers: ClinVar variation 547761 (VCV000547761.6), dbSNP rs1555943484, ClinGen allele CA412511086.